The following is an entry in ClinVar:

NM_000051.4(ATM):c.4359_4363del (p.Ile1453fs)

Gene: ATM (ATM serine/threonine kinase; plus strand). Cytogenetic location: 11q22.3.
Variant type: Deletion.
Coding change: c.4359_4363del on transcript NM_000051.4 (MANE Select); coding-DNA positions 4359 to 4363, 5 bases deleted (AAAAA; older notation c.4359_4363delAAAAA).
Protein change: p.Ile1453fs; shifts the reading frame from isoleucine 1453.
Molecular consequence: frameshift variant.
Genome position (GRCh38, 1-based): chr11:108,289,724-108,289,728, AAAAA deleted. VCF-style (leftmost placement, unchanged base first): chr11-108289723-TAAAAA-T. GRCh37 (hg19) VCF-style: chr11-108160450-TAAAAA-T.
Other names: c.4359_4363del, p.Ile1453fs (NM_001351834.2); c.4359_4363delAAAAA (NM_000051.3); short protein forms I1453fs.
Identifiers: ClinVar variation 142975 (VCV000142975.3), dbSNP rs587782863, ClinGen allele CA169923.

ClinVar aggregate classification (germline): Pathogenic (1 of 4 stars; one submission).

Conditions:
Hereditary cancer-predisposing syndrome. Also called: Hereditary Cancer Syndrome; Neoplastic Syndromes, Hereditary; Hereditary neoplastic syndrome; Tumor predisposition. Identifiers: Orphanet 140162, MedGen C0027672, MeSH D009386, MONDO:0015356.

Submission:

Ambry Genetics
Classification: Pathogenic for Hereditary cancer-predisposing syndrome. Last evaluated: 2014-04-06. Review status: criteria provided, single submitter. Criteria: Ambry Autosomal Dominant and X-Linked criteria (10/2015). Collection method: clinical testing. Allele origin: germline. Observed: 1 variant allele.
Comment: This alteration is expected to result in loss of function by premature protein truncation or nonsense-mediatedâ€¯mRNAâ€¯decay.â€¯As such, this alteration is interpreted as a disease-causing mutation.